The following is an entry in ClinVar:

ClinVar aggregate classification (germline): Uncertain significance (1 of 4 stars; one submission).

Conditions:
Naxos disease (NXD). Also called: WOOLLY HAIR, PALMOPLANTAR KERATODERMA, AND CARDIAC ABNORMALITIES; CARDIOMYOPATHY, ARRHYTHMOGENIC RIGHT VENTRICULAR, WITH SKIN, HAIR, AND NAIL ABNORMALITIES; KERATOSIS PALMOPLANTARIS WITH ARRHYTHMOGENIC CARDIOMYOPATHY; MAL DE NAXOS; PALMOPLANTAR KERATODERMA WITH ARRHYTHMOGENIC RIGHT VENTRICULAR CARDIOMYOPATHY AND WOOLLY HAIR. Identifiers: Orphanet 34217, MedGen C1832600, MONDO:0011017, OMIM 601214.
Arrhythmogenic right ventricular dysplasia 12. Also called: ARRHYTHMOGENIC RIGHT VENTRICULAR DYSPLASIA, FAMILIAL, 12. Identifiers: MedGen C1969081, MONDO:0012684, OMIM 611528.

Submission:

Labcorp Genetics (formerly Invitae), Labcorp
Classification: Uncertain significance for Arrhythmogenic right ventricular dysplasia 12; Naxos disease. Last evaluated: 2022-04-16. Review status: criteria provided, single submitter. Criteria: Invitae Variant Classification Sherloc (09022015). Collection method: clinical testing. Allele origin: germline.
Comment: This sequence change replaces lysine, which is basic and polar, with arginine, which is basic and polar, at codon 12 of the JUP protein (p.Lys12Arg). This variant is not present in population databases (gnomAD no frequency). This variant has not been reported in the literature in individuals affected with JUP-related conditions. Algorithms developed to predict the effect of missense changes on protein structure and function are either unavailable or do not agree on the potential impact of this missense change (SIFT: "Tolerated"; PolyPhen-2: "Possibly Damaging"; Align-GVGD: "Class C0"). In summary, the available evidence is currently insufficient to determine the role of this variant in disease. Therefore, it has been classified as a Variant of Uncertain Significance.

NM_002230.4(JUP):c.35A>G (p.Lys12Arg)

Gene: JUP (junction plakoglobin; minus strand). Cytogenetic location: 17q21.2.
Variant type: single nucleotide variant.
Coding change: c.35A>G on transcript NM_002230.4 (MANE Select); coding-DNA position 35, A replaced by G.
Protein change: p.Lys12Arg; replaces lysine 12 with arginine.
Molecular consequence: missense variant.
Genome position (GRCh38, 1-based): chr17:41,771,820, T>C on the plus strand (A>G on the coding strand, the complement: JUP is on the minus strand). VCF-style: chr17-41771820-T-C. GRCh37 (hg19) VCF-style: chr17-39928072-T-C.
Other names: c.35A>G, p.Lys12Arg (NM_001352773.2, NM_001352774.2, NM_001352775.2 and 3 more transcripts); short protein forms K12R.
Identifiers: ClinVar variation 2176397 (VCV002176397.4), dbSNP rs1555607135, ClinGen allele CA399507268.